The following is an entry in ClinVar:

NM_020297.4(ABCC9):c.1012-10T>A

Gene: ABCC9 (ATP binding cassette subfamily C member 9; minus strand). Cytogenetic location: 12p12.1.
Variant type: single nucleotide variant.
Coding change: c.1012-10T>A on transcript NM_020297.4 (MANE Select); 10 bases into the intron before coding-DNA position 1012, T replaced by A.
Molecular consequence: intron variant.
Genome position (GRCh38, 1-based): chr12:21,910,988, A>T on the plus strand (T>A on the coding strand, the complement: ABCC9 is on the minus strand). VCF-style: chr12-21910988-A-T. GRCh37 (hg19) VCF-style: chr12-22063922-A-T.
Other names: c.148-10T>A (NM_001377274.1); c.1012-10T>A (NM_005691.4, NM_001377273.1).
Identifiers: ClinVar variation 2108558 (VCV002108558.4), dbSNP rs2541679228, ClinGen allele CA2580085295.
Genomic context (GRCh38, chr12:21,910,988, plus strand): 5'-TAGAACGTAAGCGTTTTCAAGAAATTCCTTTGATGAGAGGGTTTCTGAAATCTGGTCCCC[A>T]AAGAAAAAAAGTGTCATATTAAAACTCGTCTTTTTATAGACCAGGTGTACAGTTTGCATT-3'

ClinVar aggregate classification (germline): Uncertain significance (1 of 4 stars; one submission).

Conditions:
Dilated cardiomyopathy 1O (CMD1O). Also called: CARDIOMYOPATHY, DILATED, WITH VENTRICULAR TACHYCARDIA. Identifiers: Orphanet 154, MedGen C1837839, MONDO:0012062, OMIM 608569.

Submission:

Labcorp Genetics (formerly Invitae), Labcorp
Classification: Uncertain significance for Dilated cardiomyopathy 1O. Last evaluated: 2023-06-26. Review status: criteria provided, single submitter. Criteria: Invitae Variant Classification Sherloc (09022015). Collection method: clinical testing. Allele origin: germline.
Comment: Algorithms developed to predict the effect of sequence changes on RNA splicing suggest that this variant may disrupt the consensus splice site. In summary, the available evidence is currently insufficient to determine the role of this variant in disease. Therefore, it has been classified as a Variant of Uncertain Significance. ClinVar contains an entry for this variant (Variation ID: 2108558). This variant has not been reported in the literature in individuals affected with ABCC9-related conditions. This variant is not present in population databases (gnomAD no frequency). This sequence change falls in intron 6 of the ABCC9 gene. It does not directly change the encoded amino acid sequence of the ABCC9 protein.